The following is an entry in ClinVar:

NM_032634.4(PIGO):c.1955C>A (p.Pro652His)

Gene: PIGO (phosphatidylinositol glycan anchor biosynthesis class O; minus strand). Cytogenetic location: 9p13.3.
Variant type: single nucleotide variant.
Coding change: c.1955C>A on transcript NM_032634.4 (MANE Select); coding-DNA position 1955, C replaced by A.
Protein change: p.Pro652His; replaces proline 652 with histidine.
Molecular consequence: missense variant. On other transcripts: intron variant (2).
Genome position (GRCh38, 1-based): chr9:35,091,932, G>T on the plus strand (C>A on the coding strand, the complement: PIGO is on the minus strand). VCF-style: chr9-35091932-G-T. GRCh37 (hg19) VCF-style: chr9-35091929-G-T.
Other names: c.1344+611C>A (NM_152850.4, NM_001201484.2); c.1955C>A (NM_032634.3); short protein forms P652H.
Identifiers: ClinVar variation 1521175 (VCV001521175.9), dbSNP rs375182208, ClinGen allele CA192710907.

ClinVar aggregate classification (germline): Uncertain significance. Review status: criteria provided, multiple submitters, no conflicts (2 of 4 stars). 2 submissions from 2 submitters: Uncertain significance (2). Last evaluated 2025-03-18.

Conditions:
Hyperphosphatasia with impaired intellectual development syndrome 2. Also called: Hyperphosphatasia with intellectual disability syndrome 2; GLYCOSYLPHOSPHATIDYLINOSITOL BIOSYNTHESIS DEFECT 6. Identifiers: Orphanet 247262, MedGen C3553637, MONDO:0013882, OMIM 614749.
Inborn genetic diseases. Identifiers: MedGen C0950123, MeSH D030342.

Allele frequency attached by ClinVar (database versions not stated): TOPMed 0.00002; gnomAD 0.00001; ESP Exome Variant Server 0.00008; gnomAD exomes below 0.00001.
gnomAD v4.1: 6 of 1,614,112 alleles (0.00037%); highest among the groups gnomAD compares: Non-Finnish European, 0.00051%; no homozygotes.

Submissions (2):

Ambry Genetics
Classification: Uncertain significance for Inborn genetic diseases. Last evaluated: 2025-03-18. Review status: criteria provided, single submitter. Criteria: Ambry Variant Classification Scheme 2023. Collection method: clinical testing. Allele origin: germline.

Labcorp Genetics (formerly Invitae), Labcorp
Classification: Uncertain significance for Hyperphosphatasia with impaired intellectual development syndrome 2. Last evaluated: 2021-04-24. Review status: criteria provided, single submitter. Criteria: Invitae Variant Classification Sherloc (09022015). Collection method: clinical testing. Allele origin: germline.
Comment: In summary, the available evidence is currently insufficient to determine the role of this variant in disease. Therefore, it has been classified as a Variant of Uncertain Significance. Algorithms developed to predict the effect of missense changes on protein structure and function are either unavailable or do not agree on the potential impact of this missense change (SIFT: "Tolerated"; PolyPhen-2: "Probably Damaging"; Align-GVGD: "Class C0"). This variant has not been reported in the literature in individuals with PIGO-related conditions. This variant is not present in population databases (ExAC no frequency). This sequence change replaces proline with histidine at codon 652 of the PIGO protein (p.Pro652His). The proline residue is moderately conserved and there is a moderate physicochemical difference between proline and histidine.